The following is an entry in ClinVar:

ClinVar aggregate classification (germline): Uncertain significance (1 of 4 stars; one submission).

Allele frequency attached by ClinVar (database versions not stated): gnomAD exomes below 0.00001 and 0.00001; TOPMed below 0.00001; gnomAD 0.00001.
gnomAD v4.1: 7 of 1,614,088 alleles (0.00043%); highest among the groups gnomAD compares: Non-Finnish European, 0.00051%; no homozygotes.

Submission:

Labcorp Genetics (formerly Invitae), Labcorp
Classification: Uncertain significance. Last evaluated: 2021-10-25. Review status: criteria provided, single submitter. Criteria: Invitae Variant Classification Sherloc (09022015). Collection method: clinical testing. Allele origin: germline.
Comment: This variant has not been reported in the literature in individuals affected with CSF1R-related conditions. This sequence change replaces glutamic acid with glycine at codon 725 of the CSF1R protein (p.Glu725Gly). The glutamic acid residue is highly conserved and there is a moderate physicochemical difference between glutamic acid and glycine. This variant is not present in population databases (ExAC no frequency). Advanced modeling of protein sequence and biophysical properties (such as structural, functional, and spatial information, amino acid conservation, physicochemical variation, residue mobility, and thermodynamic stability) performed at Invitae indicates that this missense variant is not expected to disrupt CSF1R protein function. In summary, the available evidence is currently insufficient to determine the role of this variant in disease. Therefore, it has been classified as a Variant of Uncertain Significance.

NM_001288705.3(CSF1R):c.2174A>G (p.Glu725Gly)

Gene: CSF1R (colony stimulating factor 1 receptor; minus strand). Cytogenetic location: 5q32.
Variant type: single nucleotide variant.
Coding change: c.2174A>G on transcript NM_001288705.3 (MANE Select); coding-DNA position 2174, A replaced by G.
Protein change: p.Glu725Gly; replaces glutamic acid 725 with glycine.
Molecular consequence: missense variant. On other transcripts: non-coding transcript variant (2).
Genome position (GRCh38, 1-based): chr5:150,057,551, T>C on the plus strand (A>G on the coding strand, the complement: CSF1R is on the minus strand). VCF-style: chr5-150057551-T-C. GRCh37 (hg19) VCF-style: chr5-149437114-T-C.
Other names: c.2174A>G, p.Glu725Gly (NM_001349736.2, NM_001375320.1, NM_005211.4); c.1730A>G, p.Glu577Gly (NM_001375321.1); short protein forms E577G, E725G.
Identifiers: ClinVar variation 1379314 (VCV001379314.6), dbSNP rs1021454741, ClinGen allele CA129104378.